The following is an entry in ClinVar:

ClinVar aggregate classification (germline): Uncertain significance (1 of 4 stars; one submission).

Conditions:
Rafiq syndrome (RAFQS). Identifiers: Orphanet 88616, MedGen C3280127, MONDO:0013624, OMIM 614202.

Submission:

Labcorp Genetics (formerly Invitae), Labcorp
Classification: Uncertain significance for Rafiq syndrome. Last evaluated: 2022-09-27. Review status: criteria provided, single submitter. Criteria: Invitae Variant Classification Sherloc (09022015). Collection method: clinical testing. Allele origin: germline.
Comment: In summary, the available evidence is currently insufficient to determine the role of this variant in disease. Therefore, it has been classified as a Variant of Uncertain Significance. Variants that disrupt the consensus splice site are a relatively common cause of aberrant splicing (PMID: 17576681, 9536098). Algorithms developed to predict the effect of sequence changes on RNA splicing suggest that this variant is not likely to affect RNA splicing. This variant has not been reported in the literature in individuals affected with MAN1B1-related conditions. This variant is not present in population databases (gnomAD no frequency). This sequence change falls in intron 9 of the MAN1B1 gene. It does not directly change the encoded amino acid sequence of the MAN1B1 protein. It affects a nucleotide within the consensus splice site.

Literature cited by the submitters: PubMed 17576681; PubMed 9536098.

NM_016219.5(MAN1B1):c.1445+6G>T

Gene: MAN1B1 (mannosidase alpha class 1B member 1; plus strand). Cytogenetic location: 9q34.3.
Variant type: single nucleotide variant.
Coding change: c.1445+6G>T on transcript NM_016219.5 (MANE Select); 6 bases into the intron after coding-DNA position 1445, G replaced by T.
Molecular consequence: intron variant.
Genome position (GRCh38, 1-based): chr9:137,106,321, G>T. VCF-style: chr9-137106321-G-T. GRCh37 (hg19) VCF-style: chr9-140000773-G-T.
Identifiers: ClinVar variation 2050749 (VCV002050749.4), dbSNP rs2538446114, ClinGen allele CA2580080945.